The following is an entry in ClinVar:

NM_001127649.3(PEX26):c.54C>T (p.Pro18=)

Gene: PEX26 (peroxisomal biogenesis factor 26; plus strand). Cytogenetic location: 22q11.21.
Variant type: single nucleotide variant.
Coding change: c.54C>T on transcript NM_001127649.3 (MANE Select); coding-DNA position 54, C replaced by T.
Protein change: p.Pro18=; no amino-acid change (proline 18 retained).
Molecular consequence: synonymous variant.
Genome position (GRCh38, 1-based): chr22:18,078,430, C>T. VCF-style: chr22-18078430-C-T. GRCh37 (hg19) VCF-style: chr22-18561196-C-T.
Other names: c.54C>T, p.Pro18= (NM_001199319.2, NM_017929.6); c.54C>T (NM_017929.5).
Identifiers: ClinVar variation 3761758 (VCV003761758.3).

ClinVar aggregate classification (germline): Likely benign. Review status: criteria provided, multiple submitters, no conflicts (2 of 4 stars). 2 submissions from 2 submitters: Likely benign (2). Last evaluated 2026-04-22.

Conditions:
PEX26-related disorder. Also called: PEX26-related condition.
Peroxisome biogenesis disorder 7A (Zellweger). Also called: Peroxisome biogenesis disorder 7A. Identifiers: Orphanet 912, MedGen C3888385, MONDO:0013938, OMIM 614872.
Peroxisome biogenesis disorder 7B (PBD7B). Identifiers: Orphanet 44, MedGen C3553951, MONDO:0013939, OMIM 614873.

gnomAD v4.1: 7 of 1,586,110 alleles (0.00044%); highest among the groups gnomAD compares: Non-Finnish European, 0.0006%; no homozygotes.

Submissions (2):

PreventionGenetics, part of Exact Sciences
Classification: Likely benign for PEX26-related condition. Last evaluated: 2026-04-22. Review status: criteria provided, single submitter. Criteria: ACMG Guidelines, 2015. Collection method: clinical testing. Allele origin: germline.
Comment: This variant is classified as likely benign based on ACMG/AMP sequence variant interpretation guidelines (Richards et al. 2015 PMID: 25741868, with internal and published modifications).

Labcorp Genetics (formerly Invitae), Labcorp
Classification: Likely benign for Peroxisome biogenesis disorder 7A (Zellweger); Peroxisome biogenesis disorder 7B. Last evaluated: 2024-05-21. Review status: criteria provided, single submitter. Criteria: Invitae Variant Classification Sherloc (09022015). Collection method: clinical testing. Allele origin: germline.